The following is an entry in ClinVar:

NM_001371272.1(RAB11FIP5):c.3963C>T (p.Gly1321=)

Gene: RAB11FIP5 (RAB11 family interacting protein 5; minus strand). Cytogenetic location: 2p13.2.
Variant type: single nucleotide variant.
Coding change: c.3963C>T on transcript NM_001371272.1 (MANE Select); coding-DNA position 3963, C replaced by T.
Protein change: p.Gly1321=; no amino-acid change (glycine 1321 retained).
Molecular consequence: synonymous variant.
Genome position (GRCh38, 1-based): chr2:73,075,533, G>A on the plus strand (C>T on the coding strand, the complement: RAB11FIP5 is on the minus strand). VCF-style: chr2-73075533-G-A. GRCh37 (hg19) VCF-style: chr2-73302661-G-A.
Other names: c.1950C>T, p.Gly650= (NM_015470.3).
Identifiers: ClinVar variation 790506 (VCV000790506.5), dbSNP rs149355459, ClinGen allele CA1709864.

ClinVar aggregate classification (germline): Benign. Review status: criteria provided, single submitter (1 of 4 stars). 2 submissions from 2 submitters: Benign (1). 1 of the submissions does not count toward it. Last evaluated 2018-05-14.

Conditions:
RAB11FIP5-related disorder. Also called: RAB11FIP5-related condition.

Allele frequency attached by ClinVar (database versions not stated): 1000 Genomes Project 30x 0.00250; 1000 Genomes Project 0.00260; TOPMed 0.00162; gnomAD 0.00175; ESP Exome Variant Server 0.00131.
gnomAD v4.1: 442 of 1,614,010 alleles (0.027%); highest among the groups gnomAD compares: African/African-American, 0.52%; 2 homozygotes.

Submissions (2):

Labcorp Genetics (formerly Invitae), Labcorp
Classification: Benign. Last evaluated: 2018-05-14. Review status: criteria provided, single submitter. Criteria: Invitae Variant Classification Sherloc (09022015). Collection method: clinical testing. Allele origin: germline.

PreventionGenetics, part of Exact Sciences
Classification: Likely benign for RAB11FIP5-related condition. Last evaluated: 2019-04-26. Review status: no assertion criteria provided. Collection method: clinical testing. Allele origin: germline. Not counted in ClinVar's aggregate classification.
Comment: This variant is classified as likely benign based on ACMG/AMP sequence variant interpretation guidelines (Richards et al. 2015 PMID: 25741868, with internal and published modifications).